The following is an entry in ClinVar:

NM_005993.5(TBCD):c.2260+437A>T

Gene: TBCD (tubulin folding cofactor D). Cytogenetic location: 17q25.3.
Variant type: single nucleotide variant.
Coding change: c.2260+437A>T on transcript NM_005993.5 (MANE Select); 437 bases into the intron after coding-DNA position 2260, A replaced by T.
Molecular consequence: intron variant.
Genome position (GRCh38, 1-based): chr17:82,924,170, A>T. VCF-style: chr17-82924170-A-T. GRCh37 (hg19) VCF-style: chr17-80882046-A-T.
Other names: c.2179+437A>T (NM_001411102.1); c.1903+437A>T (NM_001437989.1); c.2209+437A>T (NM_001411101.1); c.2071+437A>T (NM_001438250.1).
Identifiers: ClinVar variation 4874221 (VCV004874221.2).

ClinVar aggregate classification (germline): Likely benign (1 of 4 stars; one submission).

Submission:

CeGaT Center for Human Genetics Tuebingen
Classification: Likely benign. Last evaluated: 2026-04-01. Review status: criteria provided, single submitter. Criteria: CeGaT Center For Human Genetics Tuebingen Variant Classification Criteria Version 2. Collection method: clinical testing. Allele origin: germline. Affected: yes. Observed: 1 variant allele.
Comment: TBCD: PM2:Supporting, BP4, BP7